The following is an entry in ClinVar:

ClinVar aggregate classification (germline): Uncertain significance (1 of 4 stars; one submission).

Conditions:
Cataract 1 multiple types. Also called: CATARACT, DUFFY-LINKED; CATARACT 1, POSTERIOR SUBCAPSULAR, WITH MICROCORNEA; CATARACT 1, STELLATE NUCLEAR, WITH MICROCORNEA; CATARACT 1, MULTIPLE TYPES, WITH OR WITHOUT MICROCORNEA; CATARACT 1, NUCLEAR PROGRESSIVE; CATARACT 1 WITH MICROCORNEA. Identifiers: Orphanet 1377, MedGen C1861828, MONDO:0007285, OMIM 116200.

Submission:

Dept. Genetics and Cancer, Menzies Institute for Medical Research, University of Tasmania
Classification: Uncertain significance for Cataract 1 multiple types. Last evaluated: 2023-01-21. Review status: criteria provided, single submitter. Criteria: ACMG Guidelines, 2015. Collection method: curation. Allele origin: germline. Affected: yes.
Comment: Variant identified and curated during a GJA8 specific review of the literature in relation to pediatric or congenital cataract. ACMG-AMP criteria applied: PM1(Supporting), PM2(Supporting), PP1, PP3. Original variant report: PMID:33218330. The cataract phenotype reported for this variant is: Nuclear. Gene review and curation guidelines are outlined in: DOI 10.1080/17469899.2023.2160320

Literature cited by the submitters: PubMed 33218330.

NM_005267.5(GJA8):c.205G>A (p.Ala69Thr)

Gene: GJA8 (gap junction protein alpha 8; plus strand). Cytogenetic location: 1q21.2.
Variant type: single nucleotide variant.
Coding change: c.205G>A on transcript NM_005267.5 (MANE Select); coding-DNA position 205, G replaced by A.
Protein change: p.Ala69Thr; replaces alanine 69 with threonine.
Molecular consequence: missense variant.
Genome position (GRCh38, 1-based): chr1:147,908,160, G>A. VCF-style: chr1-147908160-G-A. GRCh37 (hg19) VCF-style: chr1-147380287-G-A.
Other names: short protein forms A69T.
Identifiers: ClinVar variation 3253722 (VCV003253722.1), dbSNP rs1651882492.
Genomic context (GRCh38, chr1:147,908,160, plus strand): 5'-CAATCCGACTTCGTGTGCAACACCCAGCAGCCTGGCTGCGAGAACGTCTGCTACGACGAG[G>A]CCTTTCCCATCTCCCACATTCGCCTCTGGGTGCTGCAGATCATCTTCGTCTCCACCCCGT-3'
Protein context (NP_005258.2, residues 59-79): PGCENVCYDE[Ala69Thr]FPISHIRLWV